The following is an entry in ClinVar:

ClinVar aggregate classification (germline): Uncertain significance (1 of 4 stars; one submission).

Conditions:
Oligodontia-cancer predisposition syndrome. Also called: TOOTH AGENESIS-COLORECTAL CANCER SYNDROME. Identifiers: Orphanet 300576, MedGen C1837750, MONDO:0012075, OMIM 608615. Disease mechanism: loss of function.

Submission:

Labcorp Genetics (formerly Invitae), Labcorp
Classification: Uncertain significance for Oligodontia-cancer predisposition syndrome. Last evaluated: 2024-04-05. Review status: criteria provided, single submitter. Criteria: Invitae Variant Classification Sherloc (09022015). Collection method: clinical testing. Allele origin: germline.
Comment: This sequence change replaces glutamine, which is neutral and polar, with arginine, which is basic and polar, at codon 537 of the AXIN2 protein (p.Gln537Arg). This variant is not present in population databases (gnomAD no frequency). This variant has not been reported in the literature in individuals affected with AXIN2-related conditions. ClinVar contains an entry for this variant (Variation ID: 1037402). Advanced modeling of protein sequence and biophysical properties (such as structural, functional, and spatial information, amino acid conservation, physicochemical variation, residue mobility, and thermodynamic stability) performed at Invitae indicates that this missense variant is not expected to disrupt AXIN2 protein function with a negative predictive value of 80%. In summary, the available evidence is currently insufficient to determine the role of this variant in disease. Therefore, it has been classified as a Variant of Uncertain Significance.

NM_004655.4(AXIN2):c.1610A>G (p.Gln537Arg)

Gene: AXIN2 (axin 2; minus strand). Cytogenetic location: 17q24.1.
Variant type: single nucleotide variant.
Coding change: c.1610A>G on transcript NM_004655.4 (MANE Select); coding-DNA position 1610, A replaced by G.
Protein change: p.Gln537Arg; replaces glutamine 537 with arginine.
Molecular consequence: missense variant.
Genome position (GRCh38, 1-based): chr17:65,537,426, T>C on the plus strand (A>G on the coding strand, the complement: AXIN2 is on the minus strand). VCF-style: chr17-65537426-T-C. GRCh37 (hg19) VCF-style: chr17-63533544-T-C.
Other names: c.1610A>G, p.Gln537Arg (NM_001363813.1); short protein forms Q537R.
Identifiers: ClinVar variation 1037402 (VCV001037402.8), dbSNP rs2043947629, ClinGen allele CA400677157.